The following is an entry in ClinVar:

ClinVar aggregate classification (germline): Conflicting classifications of pathogenicity. Review status: criteria provided, conflicting classifications (1 of 4 stars). 4 submissions from 4 submitters: Uncertain significance (3); Likely benign (1). Last evaluated 2026-09-23.

Conditions:
Cardiovascular phenotype. Identifiers: MedGen CN230736.
FLNC-related disorder. Also called: FLNC-related condition; FLNC-related disorders.
Hypertrophic cardiomyopathy 26. Also called: Cardiomyopathy, familial hypertrophic, 26. Identifiers: Orphanet 75249, MedGen C4310749, MONDO:0014883, OMIM 617047.
Distal myopathy with posterior leg and anterior hand involvement. Also called: WILLIAMS DISTAL MYOPATHY. Identifiers: Orphanet 63273, MedGen C3279722, MONDO:0013550, OMIM 614065.
Myofibrillar myopathy 5. Also called: Filaminopathy (type); FILAMINOPATHY, AUTOSOMAL DOMINANT. Identifiers: Orphanet 171445, MedGen C1836050, MONDO:0012289, OMIM 609524.

Allele frequency attached by ClinVar (database versions not stated): gnomAD 0.00001; gnomAD exomes 0.00001; TOPMed 0.00001; ExAC 0.00002.
gnomAD v4.1: 12 of 1,613,598 alleles (0.00074%); highest among the groups gnomAD compares: East Asian, 0.0022%; no homozygotes.

Submissions (4):

PreventionGenetics, part of Exact Sciences
Classification: Uncertain significance for FLNC-related condition. Last evaluated: 2026-09-23. Review status: criteria provided, single submitter. Criteria: ACMG Guidelines, 2015. Collection method: clinical testing. Allele origin: germline.
Comment: The FLNC c.5458G>A variant is predicted to result in the amino acid substitution p.Gly1820Ser. To our knowledge, this variant has not been reported in the literature. This variant is reported in 0.0056% of alleles in individuals of East Asian descent in gnomAD. At this time, the clinical significance of this variant is uncertain due to the absence of conclusive functional and genetic evidence.

Ambry Genetics
Classification: Uncertain significance for Cardiovascular phenotype. Last evaluated: 2023-12-07. Review status: criteria provided, single submitter. Criteria: Ambry Variant Classification Scheme 2023. Collection method: clinical testing. Allele origin: germline.
Comment: The p.G1820S variant (also known as c.5458G>A), located in coding exon 33 of the FLNC gene, results from a G to A substitution at nucleotide position 5458. The glycine at codon 1820 is replaced by serine, an amino acid with similar properties. This amino acid position is conserved. In addition, this alteration is predicted to be deleterious by in silico analysis. Since supporting evidence is limited at this time, the clinical significance of this alteration remains unclear.

Labcorp Genetics (formerly Invitae), Labcorp
Classification: Likely benign for Distal myopathy with posterior leg and anterior hand involvement; Myofibrillar myopathy 5; Hypertrophic cardiomyopathy 26. Last evaluated: 2023-10-09. Review status: criteria provided, single submitter. Criteria: Invitae Variant Classification Sherloc (09022015). Collection method: clinical testing. Allele origin: germline.

Fulgent Genetics
Classification: Uncertain significance for Myofibrillar myopathy 5; Distal myopathy with posterior leg and anterior hand involvement; Hypertrophic cardiomyopathy 26. Last evaluated: 2021-11-02. Review status: criteria provided, single submitter. Criteria: ACMG Guidelines, 2015. Collection method: clinical testing. Allele origin: unknown.

NM_001458.5(FLNC):c.5458G>A (p.Gly1820Ser)

Genes: FLNC (filamin C; plus strand), FLNC-AS1 (FLNC antisense RNA 1; minus strand). Cytogenetic location: 7q32.1.
Variant type: single nucleotide variant.
Coding change: c.5458G>A on transcript NM_001458.5 (MANE Select); coding-DNA position 5458, G replaced by A.
Protein change: p.Gly1820Ser; replaces glycine 1820 with serine.
Molecular consequence: missense variant.
Genome position (GRCh38, 1-based): chr7:128,850,862, G>A. VCF-style: chr7-128850862-G-A. GRCh37 (hg19) VCF-style: chr7-128490916-G-A.
Other names: c.5458G>A (NM_001458.4); c.5359G>A, p.Gly1787Ser (NM_001127487.2); short protein forms G1787S, G1820S.
Identifiers: ClinVar variation 1470479 (VCV001470479.9), dbSNP rs763930207, ClinGen allele CA4475703.